The following is an entry in ClinVar:

ClinVar aggregate classification (germline): Benign (1 of 4 stars; one submission).

Allele frequency attached by ClinVar (database versions not stated): TOPMed 0.94343; 1000 Genomes Project 0.96206; 1000 Genomes Project 30x 0.96346; gnomAD 0.94082 and 0.94103.
gnomAD v4.1: 143,259 of 152,246 alleles (94%); highest among the groups gnomAD compares: African/African-American, 98%; 67,507 homozygotes.

Submission:

GeneDx
Classification: Benign. Last evaluated: 2018-06-14. Review status: criteria provided, single submitter. Criteria: GeneDx Variant Classification (06012015). Collection method: clinical testing. Allele origin: germline. Affected: yes.
Comment: This variant is considered likely benign or benign based on one or more of the following criteria: it is a conservative change, it occurs at a poorly conserved position in the protein, it is predicted to be benign by multiple in silico algorithms, and/or has population frequency not consistent with disease.

NM_001103.4(ACTN2):c.698-900T>C

Gene: ACTN2 (actinin alpha 2; plus strand). Cytogenetic location: 1q43.
Variant type: single nucleotide variant.
Coding change: c.698-900T>C on transcript NM_001103.4 (MANE Select); 900 bases into the intron before coding-DNA position 698, T replaced by C.
Molecular consequence: intron variant.
Genome position (GRCh38, 1-based): chr1:236,734,735, T>C. VCF-style: chr1-236734735-T-C. GRCh37 (hg19) VCF-style: chr1-236898035-T-C.
Other names: c.-39+217T>C (NM_001278344.2); c.783+217T>C (NM_001278343.2).
Identifiers: ClinVar variation 672004 (VCV000672004.1), dbSNP rs819643, ClinGen allele CA16083361.